The following is an entry in ClinVar:

NM_032043.3(BRIP1):c.508-1G>T

Gene: BRIP1 (BRCA1 interacting DNA helicase 1; minus strand). Cytogenetic location: 17q23.2.
Variant type: single nucleotide variant.
Coding change: c.508-1G>T on transcript NM_032043.3 (MANE Select); the canonical splice acceptor site of the intron before coding-DNA position 508, G replaced by T.
Molecular consequence: splice acceptor variant.
Genome position (GRCh38, 1-based): chr17:61,847,221, C>A on the plus strand (G>T on the coding strand, the complement: BRIP1 is on the minus strand). VCF-style: chr17-61847221-C-A. GRCh37 (hg19) VCF-style: chr17-59924582-C-A.
Identifiers: ClinVar variation 825423 (VCV000825423.11), dbSNP rs864622277, ClinGen allele CA400483481.

ClinVar aggregate classification (germline): Pathogenic/Likely pathogenic. Review status: criteria provided, multiple submitters, no conflicts (2 of 4 stars). 4 submissions from 4 submitters: Pathogenic (1); Likely pathogenic (3). Last evaluated 2026-01-23.

Conditions:
Hereditary cancer-predisposing syndrome. Also called: Hereditary Cancer Syndrome; Tumor predisposition; Neoplastic Syndromes, Hereditary; Hereditary neoplastic syndrome. Identifiers: Orphanet 140162, MedGen C0027672, MeSH D009386, MONDO:0015356.
Familial cancer of breast. Also called: Hereditary breast cancer; BREAST CANCER, FAMILIAL; hereditary breast carcinoma. Identifiers: Orphanet 227535, MedGen C0346153, MONDO:0016419, OMIM 114480. Disease mechanism: loss of function.
Fanconi anemia complementation group J. Also called: BRIP1-Related Fanconi Anemia. Identifiers: Orphanet 84, MedGen C1836860, MONDO:0012187, OMIM 609054.

Submissions (4):

Ambry Genetics
Classification: Likely pathogenic for Hereditary cancer-predisposing syndrome. Last evaluated: 2026-01-23. Review status: criteria provided, single submitter. Criteria: Ambry Variant Classification Scheme 2023. Collection method: clinical testing. Allele origin: germline.
Comment: The c.508-1G>T intronic variant results from a G to T substitution one nucleotide upstream from coding exon 5 of the BRIP1 gene. This variant is considered to be rare based on population cohorts in the Genome Aggregation Database (gnomAD). This nucleotide position is highly conserved in available vertebrate species. In silico splice site analysis predicts that this alteration will weaken the native splice acceptor site and will result in the creation or strengthening of a novel splice acceptor site. RNA studies have demonstrated that this alteration results in abnormal splicing in the set of samples tested (Ambry internal data). Alterations that disrupt the canonical splice site are expected to cause aberrant splicing, resulting in an abnormal protein or a transcript that is subject to nonsense-mediated mRNA decay. As such, this alteration is classified as likely pathogenic.

Labcorp Genetics (formerly Invitae), Labcorp
Classification: Pathogenic for Familial cancer of breast; Fanconi anemia complementation group J. Last evaluated: 2025-01-15. Review status: criteria provided, single submitter. Criteria: Invitae Variant Classification Sherloc (09022015). Collection method: clinical testing. Allele origin: germline.
Comment: This sequence change affects an acceptor splice site in intron 5 of the BRIP1 gene. RNA analysis indicates that disruption of this splice site induces altered splicing and may result in an absent or altered protein product. This variant is not present in population databases (gnomAD no frequency). Disruption of this splice site has been observed in individual(s) with ovarian cancer (PMID: 26720728). ClinVar contains an entry for this variant (Variation ID: 825423). Studies have shown that disruption of this splice site results in activation of a cryptic splice site, and produces a non-functional protein and/or introduces a premature termination codon (internal data). For these reasons, this variant has been classified as Pathogenic.

Myriad Genetics, Inc.
Classification: Likely pathogenic for Familial cancer of breast. Last evaluated: 2023-05-31. Review status: criteria provided, single submitter. Criteria: Myriad Autosomal Dominant, Autosomal Recessive and X-Linked Classification Criteria (2023). Collection method: clinical testing. Allele origin: unknown.
Comment: This variant is considered likely pathogenic. This variant occurs within a consensus splice junction and is predicted to result in abnormal mRNA splicing of either an out-of-frame exon or an in-frame exon necessary for protein stability and/or normal function. mRNA analysis has demonstrated abnormal mRNA splicing occurs [Myriad internal data].

Fulgent Genetics
Classification: Likely pathogenic for Familial cancer of breast; Fanconi anemia complementation group J. Last evaluated: 2021-07-14. Review status: criteria provided, single submitter. Criteria: ACMG Guidelines, 2015. Collection method: clinical testing. Allele origin: unknown.

Literature cited by the submitters: PubMed 26720728 (cited by Labcorp Genetics (formerly Invitae), Labcorp).